The following is an entry in ClinVar:

ClinVar aggregate classification (germline): Uncertain significance (1 of 4 stars; one submission).

Conditions:
Ataxia-telangiectasia syndrome (AT). Also called: ATAXIA-TELANGIECTASIA, FRESNO VARIANT; Ataxia-telangiectasia, complementation group E; Ataxia telangiectasia (A-T); Cerebello-oculocutaneous telangiectasia; Immunodeficiency with ataxia telangiectasia; LOUIS-BAR SYNDROME. Identifiers: Orphanet 100, MedGen C0004135, MONDO:0008840, OMIM 208900.

Submission:

Labcorp Genetics (formerly Invitae), Labcorp
Classification: Uncertain significance for Ataxia-telangiectasia syndrome. Last evaluated: 2023-03-26. Review status: criteria provided, single submitter. Criteria: Invitae Variant Classification Sherloc (09022015). Collection method: clinical testing. Allele origin: germline.
Comment: In summary, the available evidence is currently insufficient to determine the role of this variant in disease. Therefore, it has been classified as a Variant of Uncertain Significance. Algorithms developed to predict the effect of sequence changes on RNA splicing suggest that this variant may disrupt the consensus splice site. An algorithm developed to predict the effect of missense changes on protein structure and function (PolyPhen-2) suggests that this variant is likely to be disruptive. ClinVar contains an entry for this variant (Variation ID: 649967). This variant has not been reported in the literature in individuals affected with ATM-related conditions. This variant is not present in population databases (gnomAD no frequency). This sequence change replaces alanine, which is neutral and non-polar, with glycine, which is neutral and non-polar, at codon 1687 of the ATM protein (p.Ala1687Gly).

NM_000051.4(ATM):c.5060C>G (p.Ala1687Gly)

Gene: ATM (ATM serine/threonine kinase; plus strand). Cytogenetic location: 11q22.3.
Variant type: single nucleotide variant.
Coding change: c.5060C>G on transcript NM_000051.4 (MANE Select); coding-DNA position 5060, C replaced by G.
Protein change: p.Ala1687Gly; replaces alanine 1687 with glycine.
Molecular consequence: missense variant.
Genome position (GRCh38, 1-based): chr11:108,299,768, C>G. VCF-style: chr11-108299768-C-G. GRCh37 (hg19) VCF-style: chr11-108170495-C-G.
Other names: c.5060C>G, p.Ala1687Gly (NM_001351834.2); short protein forms A1687G.
Identifiers: ClinVar variation 649967 (VCV000649967.8), dbSNP rs1591702201, ClinGen allele CA382540501.